The following is an entry in ClinVar:

ClinVar aggregate classification (germline): Likely benign (1 of 4 stars; one submission).

Allele frequency attached by ClinVar (database versions not stated): ESP Exome Variant Server 0.00008; TOPMed 0.00012; gnomAD 0.00019; gnomAD exomes 0.00059; 1000 Genomes Project 0.00120; ExAC 0.00138; 1000 Genomes Project 30x 0.00141.
gnomAD v4.1: 892 of 1,614,162 alleles (0.055%); highest among the groups gnomAD compares: South Asian, 0.85%; 3 homozygotes.

Submission:

CeGaT Center for Human Genetics Tuebingen
Classification: Likely benign. Last evaluated: 2022-07-01. Review status: criteria provided, single submitter. Criteria: CeGaT Center For Human Genetics Tuebingen Variant Classification Criteria Version 2. Collection method: clinical testing. Allele origin: germline. Affected: yes. Observed: 1 variant allele.
Comment: EPHX3: BP4, BP7

NM_024794.3(EPHX3):c.1008G>A (p.Gly336=)

Gene: EPHX3 (epoxide hydrolase 3; minus strand). Cytogenetic location: 19p13.12.
Variant type: single nucleotide variant.
Coding change: c.1008G>A on transcript NM_024794.3 (MANE Select); coding-DNA position 1008, G replaced by A.
Protein change: p.Gly336=; no amino-acid change (glycine 336 retained).
Molecular consequence: synonymous variant.
Genome position (GRCh38, 1-based): chr19:15,227,512, C>T on the plus strand (G>A on the coding strand, the complement: EPHX3 is on the minus strand). VCF-style: chr19-15227512-C-T. GRCh37 (hg19) VCF-style: chr19-15338323-C-T.
Other names: c.1008G>A, p.Gly336= (NM_001142886.2).
Identifiers: ClinVar variation 2649444 (VCV002649444.24), dbSNP rs369724989, ClinGen allele CA9264049.